The following is an entry in ClinVar:

NM_004260.4(RECQL4):c.1219G>C (p.Glu407Gln)

Gene: RECQL4 (RecQ like helicase 4; minus strand). Cytogenetic location: 8q24.3.
Variant type: single nucleotide variant.
Coding change: c.1219G>C on transcript NM_004260.4 (MANE Select); coding-DNA position 1219, G replaced by C.
Protein change: p.Glu407Gln; replaces glutamic acid 407 with glutamine.
Molecular consequence: missense variant. On other transcripts: non-coding transcript variant (3), intron variant (1).
Genome position (GRCh38, 1-based): chr8:144,515,803, C>G on the plus strand (G>C on the coding strand, the complement: RECQL4 is on the minus strand). VCF-style: chr8-144515803-C-G. GRCh37 (hg19) VCF-style: chr8-145741187-C-G.
Other names: c.1123G>C, p.Glu375Gln (NM_001413017.1, NM_001413020.1); c.1219G>C, p.Glu407Gln (NM_001413018.1, NM_001413019.1, NM_001413033.1 and 2 more transcripts); c.148G>C, p.Glu50Gln (NM_001413021.1, NM_001413022.1, NM_001413023.1 and 8 more transcripts); c.1090G>C, p.Glu364Gln (NM_001413025.1); c.86G>C, p.Arg29Pro (NM_001413027.1, NM_001413030.1, NM_001413031.1 and 2 more transcripts); c.868G>C, p.Glu290Gln (NM_001413029.1); c.-210+185G>C (NM_001413043.1); short protein forms R29P, E290Q, E50Q, E364Q, E375Q, E407Q.
Identifiers: ClinVar variation 3787934 (VCV003787934.1).

ClinVar aggregate classification (germline): Uncertain significance (1 of 4 stars; one submission).

Conditions:
Inborn genetic diseases. Identifiers: MedGen C0950123, MeSH D030342.

Submission:

Ambry Genetics
Classification: Uncertain significance for Inborn genetic diseases. Last evaluated: 2024-12-12. Review status: criteria provided, single submitter. Criteria: Ambry Variant Classification Scheme 2023. Collection method: clinical testing. Allele origin: germline.
Comment: The p.E407Q variant (also known as c.1219G>C), located in coding exon 6 of the RECQL4 gene, results from a G to C substitution at nucleotide position 1219. The glutamic acid at codon 407 is replaced by glutamine, an amino acid with highly similar properties. This amino acid position is conserved. In addition, this alteration is predicted to be tolerated by in silico analysis. Based on the available evidence, the clinical significance of this variant remains unclear.